The following is an entry in ClinVar:

NM_001164508.2(NEB):c.9960G>C (p.Lys3320Asn)

Gene: NEB (nebulin; minus strand). Cytogenetic location: 2q23.3.
Variant type: single nucleotide variant.
Coding change: c.9960G>C on transcript NM_001164508.2 (MANE Select); coding-DNA position 9960, G replaced by C.
Protein change: p.Lys3320Asn; replaces lysine 3320 with asparagine.
Molecular consequence: missense variant.
Genome position (GRCh38, 1-based): chr2:151,627,706, C>G on the plus strand (G>C on the coding strand, the complement: NEB is on the minus strand). VCF-style: chr2-151627706-C-G. GRCh37 (hg19) VCF-style: chr2-152484220-C-G.
Other names: c.9960G>C, p.Lys3320Asn (NM_001164507.2, NM_001271208.2); c.9231G>C, p.Lys3077Asn (NM_004543.5); short protein forms K3077N, K3320N.
Identifiers: ClinVar variation 2109581 (VCV002109581.3), dbSNP rs1489603308, ClinGen allele CA348795615.

ClinVar aggregate classification (germline): Uncertain significance (1 of 4 stars; one submission).

Conditions:
Nemaline myopathy 2 (NEM2). Also called: Nemaline myopathy 2, autosomal recessive. Identifiers: MedGen C1850569, MONDO:0009725, OMIM 256030.

gnomAD v4.1: 5 of 1,613,924 alleles (0.00031%); highest among the groups gnomAD compares: East Asian, 0.0045%; no homozygotes.

Submission:

Labcorp Genetics (formerly Invitae), Labcorp
Classification: Uncertain significance for Nemaline myopathy 2. Last evaluated: 2024-10-18. Review status: criteria provided, single submitter. Criteria: Invitae Variant Classification Sherloc (09022015). Collection method: clinical testing. Allele origin: germline.
Comment: This sequence change replaces lysine, which is basic and polar, with asparagine, which is neutral and polar, at codon 3320 of the NEB protein (p.Lys3320Asn). This variant is present in population databases (no rsID available, gnomAD 0.006%). This variant has not been reported in the literature in individuals affected with NEB-related conditions. ClinVar contains an entry for this variant (Variation ID: 2109581). Experimental studies and prediction algorithms are not available or were not evaluated, and the functional significance of this variant is currently unknown. In summary, the available evidence is currently insufficient to determine the role of this variant in disease. Therefore, it has been classified as a Variant of Uncertain Significance.